The following is an entry in ClinVar:

ClinVar aggregate classification (germline): Uncertain significance (1 of 4 stars; one submission).

Allele frequency attached by ClinVar (database versions not stated): gnomAD 0.00003; ExAC 0.00004; gnomAD exomes 0.00006 and 0.00009; TOPMed 0.00006.
gnomAD v4.1: 138 of 1,613,852 alleles (0.0086%); highest among the groups gnomAD compares: Non-Finnish European, 0.011%; no homozygotes.

Submission:

Labcorp Genetics (formerly Invitae), Labcorp
Classification: Uncertain significance. Last evaluated: 2025-10-26. Review status: criteria provided, single submitter. Criteria: Invitae Variant Classification Sherloc (09022015). Collection method: clinical testing. Allele origin: germline.
Comment: This sequence change replaces arginine, which is basic and polar, with tryptophan, which is neutral and slightly polar, at codon 413 of the RELB protein (p.Arg413Trp). This variant is present in population databases (rs754531882, gnomAD 0.01%). This variant has not been reported in the literature in individuals affected with RELB-related conditions. ClinVar contains an entry for this variant (Variation ID: 1399067). An algorithm developed to predict the effect of missense changes on protein structure and function (PolyPhen-2) suggests that this variant is likely to be disruptive. In summary, the available evidence is currently insufficient to determine the role of this variant in disease. Therefore, it has been classified as a Variant of Uncertain Significance.

NM_006509.4(RELB):c.1237C>T (p.Arg413Trp)

Gene: RELB (RELB proto-oncogene, NF-kB subunit; plus strand). Cytogenetic location: 19q13.32.
Variant type: single nucleotide variant.
Coding change: c.1237C>T on transcript NM_006509.4 (MANE Select); coding-DNA position 1237, C replaced by T.
Protein change: p.Arg413Trp; replaces arginine 413 with tryptophan.
Molecular consequence: missense variant.
Genome position (GRCh38, 1-based): chr19:45,034,273, C>T. VCF-style: chr19-45034273-C-T. GRCh37 (hg19) VCF-style: chr19-45537531-C-T.
Other names: short protein forms R413W.
Identifiers: ClinVar variation 1399067 (VCV001399067.7), dbSNP rs754531882, ClinGen allele CA9507790.
Genomic context (GRCh38, chr19:45,034,273, plus strand): 5'-TTCTTGTGTGTCCCTGGTATCTCCTTAACAGACAGCTACGGCGTGGACAAGAAGCGGAAA[C>T]GGGGGATGCCCGACGTCCTTGGGGAGCTGAACAGCTCTGGTGTGTGCCCTCTGCCCCTTT-3'
Protein context (NP_006500.2, residues 403-423): DSYGVDKKRK[Arg413Trp]GMPDVLGELN